The following is an entry in ClinVar:

NM_017802.4(DNAAF5):c.1471-1G>A

Gene: DNAAF5 (dynein axonemal assembly factor 5; plus strand). Cytogenetic location: 7p22.3.
Variant type: single nucleotide variant.
Coding change: c.1471-1G>A on transcript NM_017802.4 (MANE Select); the canonical splice acceptor site of the intron before coding-DNA position 1471, G replaced by A.
Molecular consequence: splice acceptor variant.
Genome position (GRCh38, 1-based): chr7:761,752, G>A. VCF-style: chr7-761752-G-A. GRCh37 (hg19) VCF-style: chr7-801389-G-A.
Identifiers: ClinVar variation 2719628 (VCV002719628.3), dbSNP rs767460655, ClinGen allele CA4110760.
Genomic context (GRCh38, chr7:761,752, plus strand): 5'-ATTCGGGTGGGGACACGACCAAATTGTACCAAGCTCTGACGGTGCTGCCGGTCTCTTCCA[G>A]GACCTCTACCTGGAGCGCCTGCTGCTGTGTGTGCAGGCTCTGGTGTCTGTGTGTCATGAG-3'

ClinVar aggregate classification (germline): Likely pathogenic (1 of 4 stars; one submission).

Conditions:
Primary ciliary dyskinesia. Also called: Ciliary dyskinesia. Identifiers: Orphanet 244, MedGen C0008780, MONDO:0016575, HP:0012265.

Allele frequency attached by ClinVar (database versions not stated): gnomAD exomes below 0.00001; ExAC 0.00002.
gnomAD v4.1: 1 of 1,601,106 alleles (0.000062%); highest among the groups gnomAD compares: Admixed American, 0.0017%; no homozygotes.

Submission:

Labcorp Genetics (formerly Invitae), Labcorp
Classification: Likely pathogenic for Primary ciliary dyskinesia. Last evaluated: 2023-10-09. Review status: criteria provided, single submitter. Criteria: Invitae Variant Classification Sherloc (09022015). Collection method: clinical testing. Allele origin: germline.
Comment: This sequence change affects an acceptor splice site in intron 6 of the DNAAF5 gene. It is expected to disrupt RNA splicing. Variants that disrupt the donor or acceptor splice site typically lead to a loss of protein function (PMID: 16199547), and loss-of-function variants in DNAAF5 are known to be pathogenic (PMID: 24307375, 25232951). The frequency data for this variant in the population databases is considered unreliable, as metrics indicate poor data quality at this position in the gnomAD database. This variant has not been reported in the literature in individuals affected with DNAAF5-related conditions. Algorithms developed to predict the effect of sequence changes on RNA splicing suggest that this variant may disrupt the consensus splice site. In summary, the currently available evidence indicates that the variant is pathogenic, but additional data are needed to prove that conclusively. Therefore, this variant has been classified as Likely Pathogenic.

Literature cited by the submitters: PubMed 16199547; PubMed 24307375; PubMed 25232951.